The following is an entry in ClinVar:

ClinVar aggregate classification (germline): Pathogenic (1 of 4 stars; one submission).

Conditions:
Congenital myasthenic syndrome 17. Identifiers: Orphanet 590, MedGen C4225377, MONDO:0014578, OMIM 616304.
Cenani-Lenz syndactyly syndrome. Also called: CENANI SYNDACTYLISM; SYNDACTYLY, TYPE VII. Identifiers: Orphanet 3258, MedGen C1859309, MONDO:0008931, OMIM 212780.
Sclerosteosis 2 (SOST2). Identifiers: Orphanet 3152, MedGen C3280402, MONDO:0013679, OMIM 614305.

gnomAD v4.1: 6 of 1,613,820 alleles (0.00037%); highest among the groups gnomAD compares: South Asian, 0.0011%; no homozygotes.

Submission:

Labcorp Genetics (formerly Invitae), Labcorp
Classification: Pathogenic for Cenani-Lenz syndactyly syndrome; Sclerosteosis 2; Congenital myasthenic syndrome 17. Last evaluated: 2025-03-12. Review status: criteria provided, single submitter. Criteria: Invitae Variant Classification Sherloc (09022015). Collection method: clinical testing. Allele origin: germline.
Comment: This sequence change creates a premature translational stop signal (p.Arg1770*) in the LRP4 gene. It is expected to result in an absent or disrupted protein product. Loss-of-function variants in LRP4 are known to be pathogenic (PMID: 23636941, 24924585). This variant is present in population databases (rs751018057, gnomAD 0.003%). This variant has not been reported in the literature in individuals affected with LRP4-related conditions. For these reasons, this variant has been classified as Pathogenic.

Literature cited by the submitters: PubMed 23636941; PubMed 24924585.

NM_002334.4(LRP4):c.5308C>T (p.Arg1770Ter)

Genes: LRP4 (LDL receptor related protein 4; minus strand), LRP4-AS1 (LRP4 antisense RNA 1; plus strand). Cytogenetic location: 11p11.2.
Variant type: single nucleotide variant.
Coding change: c.5308C>T on transcript NM_002334.4 (MANE Select); coding-DNA position 5308, C replaced by T.
Protein change: p.Arg1770Ter; replaces arginine 1770 with a stop codon.
Molecular consequence: nonsense.
Genome position (GRCh38, 1-based): chr11:46,862,683, G>A on the plus strand (C>T on the coding strand, the complement: LRP4 is on the minus strand). VCF-style: chr11-46862683-G-A. GRCh37 (hg19) VCF-style: chr11-46884234-G-A.
Other names: short protein forms R1770*.
Identifiers: ClinVar variation 4794477 (VCV004794477.1).